The following is an entry in ClinVar:

NM_000702.4(ATP1A2):c.2187T>C (p.Ile729=)

Gene: ATP1A2 (ATPase Na+/K+ transporting subunit alpha 2; plus strand). Cytogenetic location: 1q23.2.
Variant type: single nucleotide variant.
Coding change: c.2187T>C on transcript NM_000702.4 (MANE Select); coding-DNA position 2187, T replaced by C.
Protein change: p.Ile729=; no amino-acid change (isoleucine 729 retained).
Molecular consequence: synonymous variant.
Genome position (GRCh38, 1-based): chr1:160,135,505, T>C. VCF-style: chr1-160135505-T-C. GRCh37 (hg19) VCF-style: chr1-160105295-T-C.
Identifiers: ClinVar variation 281567 (VCV000281567.22), dbSNP rs751808345, ClinGen allele CA1194690.

ClinVar aggregate classification (germline): Conflicting classifications of pathogenicity. Review status: criteria provided, conflicting classifications (1 of 4 stars). 3 submissions from 3 submitters: Uncertain significance (1); Likely benign (2). Last evaluated 2025-07-01.

Conditions:
Familial hemiplegic migraine. Identifiers: MedGen C0338484, MONDO:0000700.

Allele frequency attached by ClinVar (database versions not stated): gnomAD exomes below 0.00001 and 0.00002; gnomAD 0.00001; ExAC 0.00002; TOPMed 0.00002.
gnomAD v4.1: 9 of 1,614,064 alleles (0.00056%); highest among the groups gnomAD compares: East Asian, 0.0089%; no homozygotes.

Submissions (3):

CeGaT Center for Human Genetics Tuebingen
Classification: Likely benign. Last evaluated: 2025-07-01. Review status: criteria provided, single submitter. Criteria: CeGaT Center For Human Genetics Tuebingen Variant Classification Criteria Version 2. Collection method: clinical testing. Allele origin: germline. Affected: yes. Observed: 1 variant allele.
Comment: ATP1A2: BP4, BP7

Labcorp Genetics (formerly Invitae), Labcorp
Classification: Likely benign for Familial hemiplegic migraine. Last evaluated: 2024-12-15. Review status: criteria provided, single submitter. Criteria: Invitae Variant Classification Sherloc (09022015). Collection method: clinical testing. Allele origin: germline.

Eurofins Ntd Llc (ga)
Classification: Uncertain significance. Last evaluated: 2015-06-29. Review status: criteria provided, single submitter. Criteria: EGL Classification Definitions 2015. Collection method: clinical testing. Allele origin: germline. Observed: 1 variant allele, 1 heterozygote.